The following is an entry in ClinVar:

NM_002206.3(ITGA7):c.1994C>T (p.Pro665Leu)

Gene: ITGA7 (integrin subunit alpha 7; minus strand). Cytogenetic location: 12q13.2.
Variant type: single nucleotide variant.
Coding change: c.1994C>T on transcript NM_002206.3 (MANE Select); coding-DNA position 1994, C replaced by T.
Protein change: p.Pro665Leu; replaces proline 665 with leucine.
Molecular consequence: missense variant.
Genome position (GRCh38, 1-based): chr12:55,695,531, G>A on the plus strand (C>T on the coding strand, the complement: ITGA7 is on the minus strand). VCF-style: chr12-55695531-G-A. GRCh37 (hg19) VCF-style: chr12-56089315-G-A.
Other names: c.2006C>T, p.Pro669Leu (NM_001144996.2); c.1715C>T, p.Pro572Leu (NM_001144997.2); c.1667C>T, p.Pro556Leu (NM_001367993.1); c.650C>T, p.Pro217Leu (NM_001367994.1); c.1976C>T, p.Pro659Leu (NM_001374465.1); c.2126C>T, p.Pro709Leu (NM_001410977.1); c.1988C>T, p.Pro663Leu (NM_001414029.1); c.1919C>T, p.Pro640Leu (NM_001414030.1); and 4 more; short protein forms P572L, P665L, P669L, P217L, P556L, P659L, P709L, P604L.
Identifiers: ClinVar variation 537993 (VCV000537993.10), dbSNP rs544984385, ClinGen allele CA6615767.
Genomic context (GRCh38, chr12:55,695,531, plus strand): 5'-ATCCTTGAACTCTTGCCCTCCCACCCCCACCCTGCTCTCTGCCCCCCTCACATGGGCAGA[G>A]GTTGGAATTCCGTGTCGCTGACCCGGGTACAGAAGCGGGCGCGGACCAGCTGCAGATTGC-3'
Protein context (NP_002197.2, residues 655-675): CTRVSDTEFQ[Pro665Leu]LPMDVDGTTA

ClinVar aggregate classification (germline): Uncertain significance. Review status: criteria provided, multiple submitters, no conflicts (2 of 4 stars). 2 submissions from 2 submitters: Uncertain significance (2). Last evaluated 2023-08-07.

Conditions:
Congenital muscular dystrophy due to integrin alpha-7 deficiency. Also called: MYOPATHY, CONGENITAL, DUE TO INTEGRIN ALPHA-7 DEFICIENCY; Congenital muscular dystrophy with integrin alpha-7 deficiency; Muscular dystrophy, congenital, due to ITGA7 deficiency. Identifiers: Orphanet 34520, MedGen C2750786, MONDO:0013177, OMIM 613204.

Allele frequency attached by ClinVar (database versions not stated): gnomAD 0.00002 and 0.00004; TOPMed 0.00002; gnomAD exomes 0.00004; ExAC 0.00006; 1000 Genomes Project 30x 0.00031; 1000 Genomes Project 0.00040.
gnomAD v4.1: 50 of 1,609,360 alleles (0.0031%); highest among the groups gnomAD compares: South Asian, 0.044%; 1 homozygote.

Submissions (2):

Revvity Omics, Revvity
Classification: Uncertain significance for Congenital muscular dystrophy due to integrin alpha-7 deficiency. Last evaluated: 2023-08-07. Review status: criteria provided, single submitter. Criteria: ACMG Guidelines, 2015. Collection method: clinical testing. Allele origin: germline.

Labcorp Genetics (formerly Invitae), Labcorp
Classification: Uncertain significance for Congenital muscular dystrophy due to integrin alpha-7 deficiency. Last evaluated: 2022-06-13. Review status: criteria provided, single submitter. Criteria: Invitae Variant Classification Sherloc (09022015). Collection method: clinical testing. Allele origin: germline.
Comment: In summary, the available evidence is currently insufficient to determine the role of this variant in disease. Therefore, it has been classified as a Variant of Uncertain Significance. Algorithms developed to predict the effect of missense changes on protein structure and function are either unavailable or do not agree on the potential impact of this missense change (SIFT: "Deleterious"; PolyPhen-2: "Possibly Damaging"; Align-GVGD: "Class C0"). ClinVar contains an entry for this variant (Variation ID: 537993). This variant has not been reported in the literature in individuals affected with ITGA7-related conditions. This variant is present in population databases (rs544984385, gnomAD 0.03%). This sequence change replaces proline, which is neutral and non-polar, with leucine, which is neutral and non-polar, at codon 665 of the ITGA7 protein (p.Pro665Leu).